The following is an entry in ClinVar:

NM_000275.3(OCA2):c.1183A>C (p.Met395Leu)

Gene: OCA2 (OCA2 melanosomal transmembrane protein; minus strand). Cytogenetic location: 15q13.1.
Variant type: single nucleotide variant.
Coding change: c.1183A>C on transcript NM_000275.3 (MANE Select); coding-DNA position 1183, A replaced by C.
Protein change: p.Met395Leu; replaces methionine 395 with leucine.
Molecular consequence: missense variant.
Genome position (GRCh38, 1-based): chr15:27,986,643, T>G on the plus strand (A>C on the coding strand, the complement: OCA2 is on the minus strand). VCF-style: chr15-27986643-T-G. GRCh37 (hg19) VCF-style: chr15-28231789-T-G.
Other names: c.1111A>C, p.Met371Leu (NM_001300984.2); short protein forms M395L, M371L.
Identifiers: ClinVar variation 193984 (VCV000193984.25), dbSNP rs757286784, ClinGen allele CA239739.

ClinVar aggregate classification (germline): Conflicting classifications of pathogenicity. Review status: criteria provided, conflicting classifications (1 of 4 stars). 9 submissions from 9 submitters: Pathogenic (1); Likely pathogenic (5); Uncertain significance (3). Last evaluated 2025-08-08.

Conditions:
OCA2-related disorder. Also called: OCA2-related condition.
Tyrosinase-positive oculocutaneous albinism (OCA2). Also called: Oculocutaneous albinism type 2; ALBINISM II; Albinism, oculocutaneous, type II. Identifiers: Orphanet 79432, MedGen C0268495, MONDO:0008746, OMIM 203200.
SKIN/HAIR/EYE PIGMENTATION 1, BLUE/NONBLUE EYES (SHEP1). Also called: HAIR COLOR 3; SKIN/HAIR/EYE PIGMENTATION 1, BLOND/BROWN HAIR; BROWN EYE COLOR 2; EYE COLOR 3; EYE COLOR, BLUE/NONBLUE; EYE COLOR, BROWN/BLUE. Identifiers: MedGen C1856895, OMIM 227220.

Allele frequency attached by ClinVar (database versions not stated): gnomAD exomes below 0.00001; ExAC 0.00001; gnomAD 0.00003 and 0.00004; TOPMed 0.00003.
gnomAD v4.1: 7 of 1,574,856 alleles (0.00044%); highest among the groups gnomAD compares: African/African-American, 0.0094%; no homozygotes.

Submissions (9):

PreventionGenetics, part of Exact Sciences
Classification: Likely pathogenic for OCA2-related condition. Last evaluated: 2025-08-08. Review status: criteria provided, single submitter. Criteria: ACMG Guidelines, 2015. Collection method: clinical testing. Allele origin: germline.
Comment: The OCA2 c.1183A>C variant is predicted to result in the amino acid substitution p.Met395Leu. This variant has been reported along with an OCA2 exon deletion in an individual with oculocutaneous albinism (Lee et al. 1994. PubMed ID: 7874125). An alternate substitution of this amino acid residue (p.Met395Ile) has been reported in trans with another OCA2 missense variant in an individual with oculocutaneous albinism (Johanson et al. 2010. PubMed ID: 20019752). This variant is predicted damaging to the encoded protein (Liu et al. 2016. PMID:26555599). This variant is present in 0.0080% of alleles in individuals of African descent in gnomAD. This variant is interpreted as likely pathogenic.

Labcorp Genetics (formerly Invitae), Labcorp
Classification: Pathogenic. Last evaluated: 2024-11-23. Review status: criteria provided, single submitter. Criteria: Invitae Variant Classification Sherloc (09022015). Collection method: clinical testing. Allele origin: germline.
Comment: This sequence change replaces methionine, which is neutral and non-polar, with leucine, which is neutral and non-polar, at codon 395 of the OCA2 protein (p.Met395Leu). This variant is present in population databases (rs757286784, gnomAD 0.008%). This missense change has been observed in individual(s) with clinical features of oculocutaneous albinism (PMID: 7874125; internal data). In at least one individual the data is consistent with being in trans (on the opposite chromosome) from a pathogenic variant. ClinVar contains an entry for this variant (Variation ID: 193984). An algorithm developed to predict the effect of missense changes on protein structure and function (PolyPhen-2) suggests that this variant is likely to be disruptive. This variant disrupts the p.Met195 amino acid residue in OCA2. Other variant(s) that disrupt this residue have been observed in individuals with OCA2-related conditions (PMID: 20019752), which suggests that this may be a clinically significant amino acid residue. For these reasons, this variant has been classified as Pathogenic.

GeneDx
Classification: Likely pathogenic. Last evaluated: 2024-06-20. Review status: criteria provided, single submitter. Criteria: GeneDx Variant Classification Process June 2021. Collection method: clinical testing. Allele origin: germline. Affected: yes.
Comment: In silico analysis supports that this missense variant has a deleterious effect on protein structure/function; This variant is associated with the following publications: (PMID: 7874125)

Fulgent Genetics
Classification: Likely pathogenic for Tyrosinase-positive oculocutaneous albinism; SKIN/HAIR/EYE PIGMENTATION 1, BLUE/NONBLUE EYES. Last evaluated: 2024-05-01. Review status: criteria provided, single submitter. Criteria: ACMG Guidelines, 2015. Collection method: clinical testing. Allele origin: germline.

Genome-Nilou Lab
Classification: Uncertain significance for Tyrosinase-positive oculocutaneous albinism. Last evaluated: 2021-11-07. Review status: criteria provided, single submitter. Criteria: ACMG Guidelines, 2015. Collection method: clinical testing. Allele origin: germline. Affected: no.

Blueprint Genetics
Classification: Likely pathogenic for OCA2-related disorders. Last evaluated: 2020-01-08. Review status: criteria provided, single submitter. Criteria: ACMG Guidelines, 2015. Collection method: clinical testing. Allele origin: germline. Affected: yes. Observed: 4 variant alleles.

Illumina Laboratory Services, Illumina
Classification: Uncertain significance for Tyrosinase-positive oculocutaneous albinism. Last evaluated: 2017-04-28. Review status: criteria provided, single submitter. Criteria: ICSL Variant Classification Criteria 13 December 2019. Collection method: clinical testing. Allele origin: germline.

Genetic Services Laboratory, University of Chicago
Classification: Likely pathogenic for Albinism, oculocutaneous, type II. Last evaluated: 2016-03-28. Review status: criteria provided, single submitter. Criteria: ACMG Guidelines, 2015. Collection method: clinical testing. Allele origin: germline. Affected: yes.

Eurofins Ntd Llc (ga)
Classification: Uncertain significance. Last evaluated: 2014-08-18. Review status: criteria provided, single submitter. Criteria: EGL Classification Definitions 2015. Collection method: clinical testing. Allele origin: germline. Observed: 2 variant alleles, 2 heterozygotes.

Literature cited by the submitters: PubMed 7874125 (cited by Labcorp Genetics (formerly Invitae), Labcorp); PubMed 20019752 (cited by Labcorp Genetics (formerly Invitae), Labcorp).